The following is an entry in ClinVar:

NM_000051.4(ATM):c.4637_4642del (p.Val1546_Ile1547del)

Gene: ATM (ATM serine/threonine kinase; plus strand). Cytogenetic location: 11q22.3.
Variant type: Deletion.
Coding change: c.4637_4642del on transcript NM_000051.4 (MANE Select); coding-DNA positions 4637 to 4642, 6 bases deleted (TGATAG; older notation c.4637_4642delTGATAG).
Protein change: p.Val1546_Ile1547del.
Molecular consequence: inframe deletion.
Genome position (GRCh38, 1-based): chr11:108,293,338-108,293,343, TGATAG deleted; deleting any 6 consecutive bases within chr11:108,293,335-108,293,343 gives the same sequence; the c. name uses the placement nearest the transcript's 3' end. VCF-style (leftmost placement, unchanged base first): chr11-108293334-TTAGTGA-T. GRCh37 (hg19) VCF-style: chr11-108164061-TTAGTGA-T.
Other names: c.4637_4642del, p.Val1546_Ile1547del (NM_001351834.2).
Identifiers: ClinVar variation 1468067 (VCV001468067.8), dbSNP rs2135810241, ClinGen allele CA2573146680.
Genomic context (GRCh38, chr11:108,293,334, plus strand): 5'-TTCTCTCCTTATAATTTTTTCTTTTTAAATTATATTTAGGTATTGGACTTGTTGAAATAC[TTAGTGA>T]TAGATAACAAGGATAATGAAAACCTCTATATCACGATTAAGCTTTTAGATCCTTTTCCTG-3'

ClinVar aggregate classification (germline): Uncertain significance (1 of 4 stars; one submission).

Conditions:
Ataxia-telangiectasia syndrome (AT). Also called: Ataxia-telangiectasia, complementation group D; AT, COMPLEMENTATION GROUP C; Cerebello-oculocutaneous telangiectasia; Immunodeficiency with ataxia telangiectasia; Ataxia-telangiectasia, complementation group E; LOUIS-BAR SYNDROME. Identifiers: Orphanet 100, MedGen C0004135, MONDO:0008840, OMIM 208900.

Submission:

Labcorp Genetics (formerly Invitae), Labcorp
Classification: Uncertain significance for Ataxia-telangiectasia syndrome. Last evaluated: 2022-02-20. Review status: criteria provided, single submitter. Criteria: Invitae Variant Classification Sherloc (09022015). Collection method: clinical testing. Allele origin: germline.
Comment: This variant, c.4637_4642del, results in the deletion of 2 amino acid(s) of the ATM protein (p.Val1546_Ile1547del), but otherwise preserves the integrity of the reading frame. This variant is not present in population databases (gnomAD no frequency). This variant has not been reported in the literature in individuals affected with ATM-related conditions. Experimental studies and prediction algorithms are not available or were not evaluated, and the functional significance of this variant is currently unknown. In summary, the available evidence is currently insufficient to determine the role of this variant in disease. Therefore, it has been classified as a Variant of Uncertain Significance.